The following is an entry in ClinVar:

ClinVar aggregate classification (germline): Uncertain significance (1 of 4 stars; one submission).

Conditions:
Muscle AMP deaminase deficiency (MMDD). Also called: ADENOSINE MONOPHOSPHATE DEAMINASE-1 DEFICIENCY, MYOPATHY DUE TO; AMPD1 DEFICIENCY; Myoadenylate deaminase deficiency, myopathy due to; Adenosine monophosphate deaminase 1 deficiency; AMP deaminase 1 deficiency; Adenosine Monophosphate Deaminase 1. Identifiers: Orphanet 45, MedGen C3714933, MONDO:0014220, OMIM 615511.

gnomAD v4.1: 1 of 1,613,598 alleles (0.000062%); highest among the groups gnomAD compares: Admixed American, 0.0017%; no homozygotes.

Submission:

Labcorp Genetics (formerly Invitae), Labcorp
Classification: Uncertain significance for Muscle AMP deaminase deficiency. Last evaluated: 2022-07-30. Review status: criteria provided, single submitter. Criteria: Invitae Variant Classification Sherloc (09022015). Collection method: clinical testing. Allele origin: germline.
Comment: This sequence change falls in intron 9 of the AMPD1 gene. It does not directly change the encoded amino acid sequence of the AMPD1 protein. This variant is not present in population databases (gnomAD no frequency). This variant has not been reported in the literature in individuals affected with AMPD1-related conditions. Algorithms developed to predict the effect of sequence changes on RNA splicing suggest that this variant may create or strengthen a splice site. In summary, the available evidence is currently insufficient to determine the role of this variant in disease. Therefore, it has been classified as a Variant of Uncertain Significance.

NM_000036.3(AMPD1):c.1225-16T>A

Gene: AMPD1 (adenosine monophosphate deaminase 1; minus strand). Cytogenetic location: 1p13.2.
Variant type: single nucleotide variant.
Coding change: c.1225-16T>A on transcript NM_000036.3 (MANE Select); 16 bases into the intron before coding-DNA position 1225, T replaced by A.
Molecular consequence: intron variant.
Genome position (GRCh38, 1-based): chr1:114,677,530, A>T on the plus strand (T>A on the coding strand, the complement: AMPD1 is on the minus strand). VCF-style: chr1-114677530-A-T. GRCh37 (hg19) VCF-style: chr1-115220151-A-T.
Other names: c.1213-16T>A (NM_001172626.2).
Identifiers: ClinVar variation 1950885 (VCV001950885.5), dbSNP rs1283301330, ClinGen allele CA1190276330.
Genomic context (GRCh38, chr1:114,677,530, plus strand): 5'-CTCAGCATGCTGGTACTTGGCCTCCACCAGGTCCGCACCTACCTCCTGCAAAGCCAAGAG[A>T]GAAGTCCAAGCCAGGGATTCCCACAAGTTCCTCTGGGGTTCTAGGGAGAGGAGATTCCCT-3'